The following is an entry in ClinVar:

ClinVar aggregate classification (germline): Uncertain significance (1 of 4 stars; one submission).

Submission:

GeneDx
Classification: Uncertain significance. Last evaluated: 2023-02-08. Review status: criteria provided, single submitter. Criteria: GeneDx Variant Classification Process June 2021. Collection method: clinical testing. Allele origin: germline. Affected: yes.
Comment: Not observed at significant frequency in large population cohorts (gnomAD); Has not been previously published as pathogenic or benign to our knowledge; In silico analysis is inconclusive as to whether the variant alters gene splicing. In the absence of RNA/functional studies, the actual effect of this sequence change is unknown.

NM_001042750.2(STAG2):c.893+5G>T

Gene: STAG2 (STAG2 cohesin complex component; plus strand). Cytogenetic location: Xq25.
Variant type: single nucleotide variant.
Coding change: c.893+5G>T on transcript NM_001042750.2 (MANE Select); 5 bases into the intron after coding-DNA position 893, G replaced by T.
Molecular consequence: intron variant.
Genome position (GRCh38, 1-based): chrX:124,049,083, G>T. VCF-style: chrX-124049083-G-T. GRCh37 (hg19) VCF-style: chrX-123182933-G-T.
Other names: c.893+5G>T (NM_001042749.2, NM_001375366.1, NM_001375373.1 and 13 more transcripts).
Identifiers: ClinVar variation 2575837 (VCV002575837.1), dbSNP rs2148209871, ClinGen allele CA2580612478.